The following is an entry in ClinVar:

ClinVar aggregate classification (germline): Uncertain significance (1 of 4 stars; one submission).

Conditions:
Inborn genetic diseases. Identifiers: MedGen C0950123, MeSH D030342.

Allele frequency attached by ClinVar (database versions not stated): TOPMed below 0.00001.
gnomAD v4.1: 6 of 1,162,911 alleles (0.00052%); highest among the groups gnomAD compares: Admixed American, 0.013%; 1 homozygote.

Submission:

Ambry Genetics
Classification: Uncertain significance for Inborn genetic diseases. Last evaluated: 2021-03-25. Review status: criteria provided, single submitter. Criteria: Ambry Variant Classification Scheme 2023. Collection method: clinical testing. Allele origin: germline.
Comment: The c.1234G>A (p.A412T) alteration is located in exon 12 (coding exon 11) of the PHF8 gene. This alteration results from a G to A substitution at nucleotide position 1234, causing the alanine (A) at amino acid position 412 to be replaced by a threonine (T). The p.A412T alteration is predicted to be tolerated by in silico analysis. Based on insufficient or conflicting evidence, the clinical significance of this alteration remains unclear.

NM_015107.3(PHF8):c.1234G>A (p.Ala412Thr)

Gene: PHF8 (PHD finger protein 8; minus strand). Cytogenetic location: Xp11.22.
Variant type: single nucleotide variant.
Coding change: c.1234G>A on transcript NM_015107.3 (MANE Select); coding-DNA position 1234, G replaced by A.
Protein change: p.Ala412Thr; replaces alanine 412 with threonine.
Molecular consequence: missense variant.
Genome position (GRCh38, 1-based): chrX:53,995,782, C>T on the plus strand (G>A on the coding strand, the complement: PHF8 is on the minus strand). VCF-style: chrX-53995782-C-T. GRCh37 (hg19) VCF-style: chrX-54022215-C-T.
Other names: c.1342G>A, p.Ala448Thr (NM_001184896.1); c.1234G>A, p.Ala412Thr (NM_001184897.2, NM_001184898.2); short protein forms A412T, A448T.
Identifiers: ClinVar variation 2229721 (VCV002229721.2), dbSNP rs1557102680, ClinGen allele CA413259153.